The following is an entry in ClinVar:

NM_203395.3(IYD):c.349G>A (p.Asp117Asn)

Gene: IYD (iodotyrosine deiodinase; plus strand). Cytogenetic location: 6q25.1.
Variant type: single nucleotide variant.
Coding change: c.349G>A on transcript NM_203395.3 (MANE Select); coding-DNA position 349, G replaced by A.
Protein change: p.Asp117Asn; replaces aspartic acid 117 with asparagine.
Molecular consequence: missense variant. On other transcripts: non-coding transcript variant (1), intron variant (1).
Genome position (GRCh38, 1-based): chr6:150,389,522, G>A. VCF-style: chr6-150389522-G-A. GRCh37 (hg19) VCF-style: chr6-150710658-G-A.
Other names: c.349G>A, p.Asp117Asn (NM_001164694.2, NM_001164695.2); c.124+47G>A (NM_001318495.2); short protein forms D117N.
Identifiers: ClinVar variation 2340264 (VCV002340264.2), dbSNP rs200423869, ClinGen allele CA4046983.

ClinVar aggregate classification (germline): Uncertain significance (1 of 4 stars; one submission).

Allele frequency attached by ClinVar (database versions not stated): gnomAD exomes 0.00010; ExAC 0.00014; ESP Exome Variant Server 0.00015; gnomAD 0.00021; TOPMed 0.00036.
gnomAD v4.1: 197 of 1,613,948 alleles (0.012%); highest among the groups gnomAD compares: Middle Eastern, 0.12%; no homozygotes.

Submission:

Ambry Genetics
Classification: Uncertain significance. Last evaluated: 2021-03-15. Review status: criteria provided, single submitter. Criteria: Ambry Variant Classification Scheme 2023. Collection method: clinical testing. Allele origin: germline.
Comment: The c.349G>A (p.D117N) alteration is located in exon 2 (coding exon 2) of the IYD gene. This alteration results from a G to A substitution at nucleotide position 349, causing the aspartic acid (D) at amino acid position 117 to be replaced by an asparagine (N). The p.D117N alteration is predicted to be tolerated by in silico analysis. Based on insufficient or conflicting evidence, the clinical significance of this alteration remains unclear.